The following is an entry in ClinVar:

NM_032217.5(ANKRD17):c.2920A>G (p.Ile974Val)

Gene: ANKRD17 (ankyrin repeat domain 17; minus strand). Cytogenetic location: 4q13.3.
Variant type: single nucleotide variant.
Coding change: c.2920A>G on transcript NM_032217.5 (MANE Select); coding-DNA position 2920, A replaced by G.
Protein change: p.Ile974Val; replaces isoleucine 974 with valine.
Molecular consequence: missense variant. On other transcripts: intron variant (1).
Genome position (GRCh38, 1-based): chr4:73,139,696, T>C on the plus strand (A>G on the coding strand, the complement: ANKRD17 is on the minus strand). VCF-style: chr4-73139696-T-C. GRCh37 (hg19) VCF-style: chr4-74005413-T-C.
Other names: c.2581A>G, p.Ile861Val (NM_001286771.3); c.2920A>G, p.Ile974Val (NM_015574.2); c.2332+2045A>G (NM_198889.3); short protein forms I861V, I974V.
Identifiers: ClinVar variation 4987987 (VCV004987987.1).
Genomic context (GRCh38, chr4:73,139,696, plus strand): 5'-GTGCTTGGCCCAGTACTGGCTGTCCAACTATCACTCCTTGCAGTTCTGTAAGATTTGCGA[T>C]GGACCCTGGAGGCAAGGGACCTGCCGCCAGAGGCAAAGCTTGAGGCATCGCCAGAGGCTG-3'
Protein context (NP_115593.3, residues 964-984): LAAGPLPPGS[Ile974Val]ANLTELQGVI

ClinVar aggregate classification (germline): Uncertain significance (1 of 4 stars; one submission).

Conditions:
ANKRD17-related disorder. Also called: ANKRD17-related condition.

gnomAD v4.1: 8 of 1,614,174 alleles (0.0005%); highest among the groups gnomAD compares: South Asian, 0.0011%; no homozygotes.

Submission:

PreventionGenetics, part of Exact Sciences
Classification: Uncertain significance for ANKRD17-related condition. Last evaluated: 2026-09-16. Review status: criteria provided, single submitter. Criteria: ACMG Guidelines, 2015. Collection method: clinical testing. Allele origin: germline.
Comment: The ANKRD17 c.2920A>G variant is predicted to result in the amino acid substitution p.Ile974Val. To our knowledge, this variant has not been reported in the literature. This variant is reported in 0.0033% of alleles in individuals of South Asian descent in gnomAD. At this time, the clinical significance of this variant is uncertain due to the absence of conclusive functional and genetic evidence.